The following is an entry in ClinVar:

NM_020461.4(TUBGCP6):c.1511A>G (p.Tyr504Cys)

Gene: TUBGCP6 (tubulin gamma complex component 6; minus strand). Cytogenetic location: 22q13.33.
Variant type: single nucleotide variant.
Coding change: c.1511A>G on transcript NM_020461.4 (MANE Select); coding-DNA position 1511, A replaced by G.
Protein change: p.Tyr504Cys; replaces tyrosine 504 with cysteine.
Molecular consequence: missense variant.
Genome position (GRCh38, 1-based): chr22:50,226,823, T>C on the plus strand (A>G on the coding strand, the complement: TUBGCP6 is on the minus strand). VCF-style: chr22-50226823-T-C. GRCh37 (hg19) VCF-style: chr22-50665252-T-C.
Other names: short protein forms Y504C.
Identifiers: ClinVar variation 437159 (VCV000437159.9), dbSNP rs745507206, ClinGen allele CA10308629.

ClinVar aggregate classification (germline): Uncertain significance. Review status: criteria provided, multiple submitters, no conflicts (2 of 4 stars). 3 submissions from 3 submitters: Uncertain significance (3). Last evaluated 2025-09-11.

Conditions:
Inborn genetic diseases. Identifiers: MedGen C0950123, MeSH D030342.

Allele frequency attached by ClinVar (database versions not stated): gnomAD exomes 0.00001 and 0.00003; TOPMed 0.00001; ExAC below 0.00001.
gnomAD v4.1: 38 of 1,584,392 alleles (0.0024%); highest among the groups gnomAD compares: East Asian, 0.016%; no homozygotes.

Submissions (3):

Ambry Genetics
Classification: Uncertain significance for Inborn genetic diseases. Last evaluated: 2025-09-11. Review status: criteria provided, single submitter. Criteria: Ambry Variant Classification Scheme 2023. Collection method: clinical testing. Allele origin: germline.

Labcorp Genetics (formerly Invitae), Labcorp
Classification: Uncertain significance. Last evaluated: 2022-08-31. Review status: criteria provided, single submitter. Criteria: Invitae Variant Classification Sherloc (09022015). Collection method: clinical testing. Allele origin: germline.
Comment: This sequence change replaces tyrosine, which is neutral and polar, with cysteine, which is neutral and slightly polar, at codon 504 of the TUBGCP6 protein (p.Tyr504Cys). The frequency data for this variant in the population databases is considered unreliable, as metrics indicate poor data quality at this position in the gnomAD database. This variant has not been reported in the literature in individuals affected with TUBGCP6-related conditions. ClinVar contains an entry for this variant (Variation ID: 437159). Algorithms developed to predict the effect of missense changes on protein structure and function are either unavailable or do not agree on the potential impact of this missense change (SIFT: "Tolerated"; PolyPhen-2: "Probably Damaging"; Align-GVGD: "Class C0"). In summary, the available evidence is currently insufficient to determine the role of this variant in disease. Therefore, it has been classified as a Variant of Uncertain Significance.

Genetic Services Laboratory, University of Chicago
Classification: Uncertain significance. Last evaluated: 2016-07-01. Review status: criteria provided, single submitter. Criteria: ACMG Guidelines, 2015. Collection method: clinical testing. Allele origin: germline. Affected: no.